The following is an entry in ClinVar:

NM_015335.5(MED13L):c.5554G>C (p.Glu1852Gln)

Gene: MED13L (mediator complex subunit 13L; minus strand). Cytogenetic location: 12q24.21.
Variant type: single nucleotide variant.
Coding change: c.5554G>C on transcript NM_015335.5 (MANE Select); coding-DNA position 5554, G replaced by C.
Protein change: p.Glu1852Gln; replaces glutamic acid 1852 with glutamine.
Molecular consequence: missense variant.
Genome position (GRCh38, 1-based): chr12:115,975,549, C>G on the plus strand (G>C on the coding strand, the complement: MED13L is on the minus strand). VCF-style: chr12-115975549-C-G. GRCh37 (hg19) VCF-style: chr12-116413354-C-G.
Other names: short protein forms E1852Q.
Identifiers: ClinVar variation 3774262 (VCV003774262.1).

ClinVar aggregate classification (germline): Uncertain significance (1 of 4 stars; one submission).

Submission:

GeneDx
Classification: Uncertain significance. Last evaluated: 2024-09-20. Review status: criteria provided, single submitter. Criteria: GeneDx Variant Classification Process June 2021. Collection method: clinical testing. Allele origin: germline. Affected: yes.
Comment: Not observed at significant frequency in large population cohorts (gnomAD); In silico analysis supports that this missense variant has a deleterious effect on protein structure/function; Has not been previously published as pathogenic or benign to our knowledge